The following is an entry in ClinVar:

ClinVar aggregate classification (germline): Uncertain significance. Review status: criteria provided, multiple submitters, no conflicts (2 of 4 stars). 3 submissions from 3 submitters: Uncertain significance (3). Last evaluated 2025-12-16.

Conditions:
Inborn genetic diseases. Identifiers: MedGen C0950123, MeSH D030342.
DOCK2 deficiency. Also called: Immunodeficiency 40. Identifiers: Orphanet 447737, MedGen C4225328, MONDO:0014637, OMIM 616433.

Allele frequency attached by ClinVar (database versions not stated): gnomAD 0.00001; gnomAD exomes 0.00004.
gnomAD v4.1: 35 of 1,613,828 alleles (0.0022%); highest among the groups gnomAD compares: East Asian, 0.029%; no homozygotes.

Submissions (3):

Ambry Genetics
Classification: Uncertain significance for Inborn genetic diseases. Last evaluated: 2025-12-16. Review status: criteria provided, single submitter. Criteria: Ambry Variant Classification Scheme 2023. Collection method: clinical testing. Allele origin: germline.

Mayo Clinic Laboratories, Mayo Clinic
Classification: Uncertain significance. Last evaluated: 2025-01-09. Review status: criteria provided, single submitter. Criteria: ACMG Guidelines, 2015. Collection method: clinical testing. Allele origin: germline. Observed: 1 variant allele.
Comment: BP4

Labcorp Genetics (formerly Invitae), Labcorp
Classification: Uncertain significance for DOCK2 deficiency. Last evaluated: 2022-10-09. Review status: criteria provided, single submitter. Criteria: Invitae Variant Classification Sherloc (09022015). Collection method: clinical testing. Allele origin: germline.
Comment: This sequence change replaces arginine, which is basic and polar, with tryptophan, which is neutral and slightly polar, at codon 264 of the DOCK2 protein (p.Arg264Trp). This variant is present in population databases (rs764798982, gnomAD 0.01%). This variant has not been reported in the literature in individuals affected with DOCK2-related conditions. ClinVar contains an entry for this variant (Variation ID: 1445635). Algorithms developed to predict the effect of missense changes on protein structure and function are either unavailable or do not agree on the potential impact of this missense change (SIFT: "Deleterious"; PolyPhen-2: "Possibly Damaging"; Align-GVGD: "Class C0"). In summary, the available evidence is currently insufficient to determine the role of this variant in disease. Therefore, it has been classified as a Variant of Uncertain Significance.

NM_004946.3(DOCK2):c.790C>T (p.Arg264Trp)

Gene: DOCK2 (dedicator of cytokinesis 2; plus strand). Cytogenetic location: 5q35.1.
Variant type: single nucleotide variant.
Coding change: c.790C>T on transcript NM_004946.3 (MANE Select); coding-DNA position 790, C replaced by T.
Protein change: p.Arg264Trp; replaces arginine 264 with tryptophan.
Molecular consequence: missense variant. On other transcripts: non-coding transcript variant (1).
Genome position (GRCh38, 1-based): chr5:169,689,280, C>T. VCF-style: chr5-169689280-C-T. GRCh37 (hg19) VCF-style: chr5-169116284-C-T.
Other names: p.Arg264Trp; c.790C>T (NM_004946.2); short protein forms R264W.
Identifiers: ClinVar variation 1445635 (VCV001445635.8), dbSNP rs764798982, ClinGen allele CA3553258.